The following is an entry in ClinVar:

ClinVar aggregate classification (germline): Uncertain significance (1 of 4 stars; one submission).

Conditions:
Familial melanoma. Also called: Hereditary melanoma; Hereditary cutaneous melanoma. Identifiers: Orphanet 618, MedGen C1512419, MONDO:0018961.

Submission:

Labcorp Genetics (formerly Invitae), Labcorp
Classification: Uncertain significance for Familial melanoma. Last evaluated: 2025-07-31. Review status: criteria provided, single submitter. Criteria: Invitae Variant Classification Sherloc (09022015). Collection method: clinical testing. Allele origin: germline.
Comment: This sequence change replaces proline, which is neutral and non-polar, with threonine, which is neutral and polar, at codon 234 of the CDK4 protein (p.Pro234Thr). This variant is not present in population databases (gnomAD no frequency). This variant has not been reported in the literature in individuals affected with CDK4-related conditions. ClinVar contains an entry for this variant (Variation ID: 578056). Invitae Evidence Modeling of protein sequence and biophysical properties (such as structural, functional, and spatial information, amino acid conservation, physicochemical variation, residue mobility, and thermodynamic stability) indicates that this missense variant is not expected to disrupt CDK4 protein function with a negative predictive value of 95%. In summary, the available evidence is currently insufficient to determine the role of this variant in disease. Therefore, it has been classified as a Variant of Uncertain Significance.

NM_000075.4(CDK4):c.700C>A (p.Pro234Thr)

Genes: CDK4 (cyclin dependent kinase 4; minus strand), TSPAN31 (tetraspanin 31; plus strand). Cytogenetic location: 12q14.1.
Variant type: single nucleotide variant.
Coding change: c.700C>A on transcript NM_000075.4 (MANE Select); coding-DNA position 700, C replaced by A.
Protein change: p.Pro234Thr; replaces proline 234 with threonine.
Molecular consequence: missense variant. On other transcripts: 3 prime UTR variant (3).
Genome position (GRCh38, 1-based): chr12:57,749,301, G>T on the plus strand (C>A on the coding strand, the complement: CDK4 is on the minus strand). VCF-style: chr12-57749301-G-T. GRCh37 (hg19) VCF-style: chr12-58143084-G-T.
Other names: c.*2011G>T (NM_001330168.2, NM_001330169.2, NM_005981.5); short protein forms P234T.
Identifiers: ClinVar variation 578056 (VCV000578056.9), dbSNP rs1474793589, ClinGen allele CA385543666.